The following is an entry in ClinVar:

ClinVar aggregate classification (germline): Uncertain significance (1 of 4 stars; one submission).

Submission:

GeneDx
Classification: Uncertain significance. Last evaluated: 2023-07-14. Review status: criteria provided, single submitter. Criteria: GeneDx Variant Classification Process June 2021. Collection method: clinical testing. Allele origin: germline. Affected: yes.
Comment: Not observed at significant frequency in large population cohorts (gnomAD); Normal stop codon changed to a Ser codon, leading to the addition of 27 amino acids at the C-terminus and no other extended protein variants have been reported as DM in HGMD; Has not been previously published as pathogenic or benign to our knowledge

NM_001320.7(CSNK2B):c.647G>C (p.Ter216Ser)

Gene: CSNK2B (casein kinase 2 beta; plus strand). Cytogenetic location: 6p21.33.
Variant type: single nucleotide variant.
Coding change: c.647G>C on transcript NM_001320.7 (MANE Select); coding-DNA position 647, G replaced by C.
Protein change: p.Ter216Ser.
Molecular consequence: stop lost.
Genome position (GRCh38, 1-based): chr6:31,669,925, G>C. VCF-style: chr6-31669925-G-C. GRCh37 (hg19) VCF-style: chr6-31637702-G-C.
Other names: c.638G>C, p.Ter213Ser (NM_001282385.2).
Identifiers: ClinVar variation 3360835 (VCV003360835.1).